The following is an entry in ClinVar:

ClinVar aggregate classification (germline): Pathogenic/Likely pathogenic. Review status: criteria provided, multiple submitters, no conflicts (2 of 4 stars). 4 submissions from 4 submitters: Pathogenic (1); Likely pathogenic (2). 1 of the submissions does not count toward it. Last evaluated 2024-07-29.

Conditions:
Cohen syndrome (COH1). Also called: PEPPER SYNDROME; Cutis verticis gyrata, retinitis pigmentosa, and sensorineural deafness. Identifiers: Orphanet 193, MedGen C0265223, MONDO:0008999, OMIM 216550.

Allele frequency attached by ClinVar (database versions not stated): gnomAD exomes below 0.00001; gnomAD 0.00001; 1000 Genomes Project 30x 0.00016; 1000 Genomes Project 0.00020.
gnomAD v4.1: 1 of 1,613,998 alleles (0.000062%); highest among the groups gnomAD compares: East Asian, 0.0022%; no homozygotes.

Submissions (4):

Natera, Inc.
Classification: Likely pathogenic for Cohen syndrome. Last evaluated: 2024-07-29. Review status: criteria provided, single submitter. Criteria: Natera Variant Classification Schema (03/2026). Collection method: clinical testing. Allele origin: germline.
Comment: The c.8436+1G>A variant in VPS13B is a canonical splice donor site variant predicted to affect pre-mRNA splicing, which may result in an abnormal transcript and altered protein product. This variant is expected to result in nonsense mediated decay, truncation, or a dysfunctional protein product. This variant is rare in the general population with a frequency below the threshold expected for the associated phenotype(s). Given the available evidence, this variant is classified as Likely Pathogenic.

Labcorp Genetics (formerly Invitae), Labcorp
Classification: Likely pathogenic for Cohen syndrome. Last evaluated: 2022-07-24. Review status: criteria provided, single submitter. Criteria: Invitae Variant Classification Sherloc (09022015). Collection method: clinical testing. Allele origin: germline.
Comment: In summary, the currently available evidence indicates that the variant is pathogenic, but additional data are needed to prove that conclusively. Therefore, this variant has been classified as Likely Pathogenic. Algorithms developed to predict the effect of sequence changes on RNA splicing suggest that this variant may disrupt the consensus splice site. ClinVar contains an entry for this variant (Variation ID: 553060). This variant has not been reported in the literature in individuals affected with VPS13B-related conditions. This variant is not present in population databases (gnomAD no frequency). This sequence change affects a donor splice site in intron 45 of the VPS13B gene. It is expected to disrupt RNA splicing. Variants that disrupt the donor or acceptor splice site typically lead to a loss of protein function (PMID: 16199547), and loss-of-function variants in VPS13B are known to be pathogenic (PMID: 15141358, 16648375, 20461111).

Clinical Genetics Service, Universitary Hospital 12 de Octubre
Classification: Pathogenic for Cohen syndrome. Review status: criteria provided, single submitter. Criteria: ACMG Guidelines, 2015. Collection method: clinical testing. Allele origin: germline. Affected: yes.

Counsyl
Classification: Likely pathogenic for Cohen syndrome. Last evaluated: 2017-08-03. Review status: no assertion criteria provided. Collection method: clinical testing. Allele origin: unknown. Not counted in ClinVar's aggregate classification.

Literature cited by the submitters: PubMed 16199547 (cited by Labcorp Genetics (formerly Invitae), Labcorp); PubMed 15141358 (cited by Labcorp Genetics (formerly Invitae), Labcorp); PubMed 16648375 (cited by Labcorp Genetics (formerly Invitae), Labcorp); PubMed 20461111 (cited by Labcorp Genetics (formerly Invitae), Labcorp).

NM_152564.5(VPS13B):c.8361+1G>A

Gene: VPS13B (vacuolar protein sorting 13 homolog B; plus strand). Cytogenetic location: 8q22.2.
Variant type: single nucleotide variant.
Coding change: c.8361+1G>A on transcript NM_152564.5 (MANE Select); the canonical splice donor site of the intron after coding-DNA position 8361, G replaced by A.
Molecular consequence: splice donor variant.
Genome position (GRCh38, 1-based): chr8:99,817,804, G>A. VCF-style: chr8-99817804-G-A. GRCh37 (hg19) VCF-style: chr8-100830032-G-A.
Other names: c.8436+1G>A (NM_017890.5).
Identifiers: ClinVar variation 553060 (VCV000553060.12), dbSNP rs542757501, ClinGen allele CA182327440.